The following is an entry in ClinVar:

NM_015021.3(ZNF292):c.711A>G (p.Thr237=)

Gene: ZNF292 (zinc finger protein 292; plus strand). Cytogenetic location: 6q14.3.
Variant type: single nucleotide variant.
Coding change: c.711A>G on transcript NM_015021.3 (MANE Select); coding-DNA position 711, A replaced by G.
Protein change: p.Thr237=; no amino-acid change (threonine 237 retained).
Molecular consequence: synonymous variant.
Genome position (GRCh38, 1-based): chr6:87,233,497, A>G. VCF-style: chr6-87233497-A-G. GRCh37 (hg19) VCF-style: chr6-87943215-A-G.
Other names: c.291A>G, p.Thr97= (NM_001351444.2).
Identifiers: ClinVar variation 4985379 (VCV004985379.1).
Genomic context (GRCh38, chr6:87,233,497, plus strand): 5'-CCATCCAGAGATTGGCATAAAAGGTAGTTTTAAGCAAACTTACCTTGTCTGTCTTTGTAC[A>G]TCATCACCAAATGGAAAGTTAATCGAAGAGGTGAGTATGTTTTCTTTCATTAGTAATTAT-3'
Protein context (NP_055836.1, residues 227-247): FKQTYLVCLC[Thr237=]SSPNGKLIEE

ClinVar aggregate classification (germline): Likely benign (1 of 4 stars; one submission).

Conditions:
ZNF292-related disorder. Also called: ZNF292-related condition.

gnomAD v4.1: 37 of 1,611,754 alleles (0.0023%); highest among the groups gnomAD compares: African/African-American, 0.041%; no homozygotes.

Submission:

PreventionGenetics, part of Exact Sciences
Classification: Likely benign for ZNF292-related condition. Last evaluated: 2025-09-23. Review status: criteria provided, single submitter. Criteria: ACMG Guidelines, 2015. Collection method: clinical testing. Allele origin: germline.
Comment: This variant is classified as likely benign based on ACMG/AMP sequence variant interpretation guidelines (Richards et al. 2015 PMID: 25741868, with internal and published modifications).